The following is an entry in ClinVar:

ClinVar aggregate classification (germline): Uncertain significance (1 of 4 stars; one submission).

Conditions:
Aortic aneurysm, familial thoracic 10 (AAT10). Identifiers: MedGen C4284414, MONDO:0014950, OMIM 617168.

Allele frequency attached by ClinVar (database versions not stated): TOPMed 0.00005; gnomAD 0.00006.
gnomAD v4.1: 11 of 1,543,788 alleles (0.00071%); highest among the groups gnomAD compares: African/African-American, 0.015%; no homozygotes.

Submission:

Center for Genomics, Ann and Robert H. Lurie Children's Hospital of Chicago
Classification: Uncertain significance for Aortic aneurysm, familial thoracic 10. Last evaluated: 2021-03-30. Review status: criteria provided, single submitter. Criteria: ACMG Guidelines, 2015. Collection method: clinical testing. Allele origin: germline.
Comment: LOX NM_002317.6 exon 1 p.Gln44His (c.132G>C): This variant has not been reported in the literature but is present in 0.003% (1/31182) of total alleles in the Genome Aggregation Database. Evolutionary conservation and computational predictive tools for this variant are unclear. In summary, data on this variant is insufficient for disease classification. Therefore, the clinical significance of this variant is uncertain.

NM_002317.7(LOX):c.132G>C (p.Gln44His)

Genes: LOX (lysyl oxidase; minus strand), SRFBP1 (serum response factor binding protein 1; plus strand). Cytogenetic location: 5q23.1.
Variant type: single nucleotide variant.
Coding change: c.132G>C on transcript NM_002317.7 (MANE Select); coding-DNA position 132, G replaced by C.
Protein change: p.Gln44His; replaces glutamine 44 with histidine.
Molecular consequence: missense variant.
Genome position (GRCh38, 1-based): chr5:122,077,854, C>G on the plus strand (G>C on the coding strand, the complement: LOX is on the minus strand). VCF-style: chr5-122077854-C-G. GRCh37 (hg19) VCF-style: chr5-121413549-C-G.
Other names: short protein forms Q44H.
Identifiers: ClinVar variation 992529 (VCV000992529.2), dbSNP rs934427837, ClinGen allele CA125917590.